The following is an entry in ClinVar:

ClinVar aggregate classification (germline): Uncertain significance (1 of 4 stars; one submission).

Submission:

Ambry Genetics
Classification: Uncertain significance. Last evaluated: 2025-04-08. Review status: criteria provided, single submitter. Criteria: Ambry Variant Classification Scheme 2023. Collection method: clinical testing. Allele origin: germline.
Comment: The p.S345N variant (also known as c.1034G>A), located in coding exon 1 of the CDK12 gene, results from a G to A substitution at nucleotide position 1034. The serine at codon 345 is replaced by asparagine, an amino acid with highly similar properties. This amino acid position is conserved. In addition, this alteration is predicted to be tolerated by in silico analysis. Based on the available evidence, the clinical significance of this variant remains unclear.

NM_016507.4(CDK12):c.1034G>A (p.Ser345Asn)

Genes: CDK12 (cyclin dependent kinase 12; plus strand), LOC126862553 (CDK7 strongly-dependent group 2 enhancer GRCh37_chr17:37618166-37619365; plus strand). Cytogenetic location: 17q12.
Variant type: single nucleotide variant.
Coding change: c.1034G>A on transcript NM_016507.4 (MANE Select); coding-DNA position 1034, G replaced by A.
Protein change: p.Ser345Asn; replaces serine 345 with asparagine.
Molecular consequence: missense variant.
Genome position (GRCh38, 1-based): chr17:39,463,105, G>A. VCF-style: chr17-39463105-G-A. GRCh37 (hg19) VCF-style: chr17-37619358-G-A.
Other names: c.1034G>A, p.Ser345Asn (NM_015083.4); short protein forms S345N.
Identifiers: ClinVar variation 3999334 (VCV003999334.1).
Genomic context (GRCh38, chr17:39,463,105, plus strand): 5'-GTCCCTATGGTCGAAGGCGGTCCAGCAGCCCTTTCCTGAGCAAGCGGTCTCTGAGTCGGA[G>A]TCCACTCCCCAGGTGAGCTATTTGTCTAACAGTCCTTCCTCATTTAGGGTGGGTTGCGAG-3'
Protein context (NP_057591.2, residues 335-355): PFLSKRSLSR[Ser345Asn]PLPSRKSMKS